The following is an entry in ClinVar:

ClinVar aggregate classification (germline): Uncertain significance (1 of 4 stars; one submission).

Submission:

Labcorp Genetics (formerly Invitae), Labcorp
Classification: Uncertain significance. Last evaluated: 2024-07-18. Review status: criteria provided, single submitter. Criteria: Invitae Variant Classification Sherloc (09022015). Collection method: clinical testing. Allele origin: germline.
Comment: This sequence change replaces leucine, which is neutral and non-polar, with proline, which is neutral and non-polar, at codon 231 of the HOXB13 protein (p.Leu231Pro). This variant is not present in population databases (gnomAD no frequency). This variant has not been reported in the literature in individuals affected with HOXB13-related conditions. ClinVar contains an entry for this variant (Variation ID: 1444469). Advanced modeling of protein sequence and biophysical properties (such as structural, functional, and spatial information, amino acid conservation, physicochemical variation, residue mobility, and thermodynamic stability) performed at Invitae indicates that this missense variant is expected to disrupt HOXB13 protein function with a positive predictive value of 80%. In summary, the available evidence is currently insufficient to determine the role of this variant in disease. Therefore, it has been classified as a Variant of Uncertain Significance.

NM_006361.6(HOXB13):c.692T>C (p.Leu231Pro)

Gene: HOXB13 (homeobox B13; minus strand). Cytogenetic location: 17q21.32.
Variant type: single nucleotide variant.
Coding change: c.692T>C on transcript NM_006361.6 (MANE Select); coding-DNA position 692, T replaced by C.
Protein change: p.Leu231Pro; replaces leucine 231 with proline.
Molecular consequence: missense variant.
Genome position (GRCh38, 1-based): chr17:48,726,953, A>G on the plus strand (T>C on the coding strand, the complement: HOXB13 is on the minus strand). VCF-style: chr17-48726953-A-G. GRCh37 (hg19) VCF-style: chr17-46804315-A-G.
Other names: short protein forms L231P.
Identifiers: ClinVar variation 1444469 (VCV001444469.6), dbSNP rs2143066906, ClinGen allele CA400106580.
Genomic context (GRCh38, chr17:48,726,953, plus strand): 5'-GCCGAGATCTTGCGCCTCTTGTCCTTGGTGATGAACTTGTTAGCCGCATACTCCCGCTCC[A>G]GCTCCCGCAACTGCCCCTTGCTGTACGGAATGCGTTTCTTGCGGCCGCGACGAAAGGCGC-3'
Protein context (NP_006352.2, residues 221-241): IPYSKGQLRE[Leu231Pro]EREYAANKFI